The following is an entry in ClinVar:

NM_001198533.2(OXR1):c.625T>A (p.Phe209Ile)

Gene: OXR1 (oxidation resistance 1; plus strand). Cytogenetic location: 8q23.1.
Variant type: single nucleotide variant.
Coding change: c.625T>A on transcript NM_001198533.2 (MANE Select); coding-DNA position 625, T replaced by A.
Protein change: p.Phe209Ile; replaces phenylalanine 209 with isoleucine.
Molecular consequence: missense variant.
Genome position (GRCh38, 1-based): chr8:106,692,827, T>A. VCF-style: chr8-106692827-T-A. GRCh37 (hg19) VCF-style: chr8-107705055-T-A.
Other names: c.628T>A, p.Phe210Ile (NM_001198532.1); c.625T>A, p.Phe209Ile (NM_018002.3); c.604T>A, p.Phe202Ile (NM_181354.4); c.625T>A (NM_001198533.1); short protein forms F209I, F210I, F202I.
Identifiers: ClinVar variation 2322758 (VCV002322758.3), dbSNP rs776915664, ClinGen allele CA183398727.

ClinVar aggregate classification (germline): Uncertain significance. Review status: criteria provided, multiple submitters, no conflicts (2 of 4 stars). 2 submissions from 2 submitters: Uncertain significance (2). Last evaluated 2022-12-20.

Conditions:
Inborn genetic diseases. Identifiers: MedGen C0950123, MeSH D030342.

gnomAD v4.1: 5 of 1,606,792 alleles (0.00031%); highest among the groups gnomAD compares: Admixed American, 0.0067%; no homozygotes.

Submissions (2):

GeneDx
Classification: Uncertain significance. Last evaluated: 2022-12-20. Review status: criteria provided, single submitter. Criteria: GeneDx Variant Classification Process June 2021. Collection method: clinical testing. Allele origin: germline. Affected: yes.
Comment: Has not been previously published as pathogenic or benign to our knowledge; In silico analysis supports that this missense variant has a deleterious effect on protein structure/function

Ambry Genetics
Classification: Uncertain significance for Inborn genetic diseases. Last evaluated: 2022-11-07. Review status: criteria provided, single submitter. Criteria: Ambry Variant Classification Scheme 2023. Collection method: clinical testing. Allele origin: germline.